The following is an entry in ClinVar:

ClinVar aggregate classification (germline): Likely pathogenic. Review status: criteria provided, multiple submitters, no conflicts (2 of 4 stars). 2 submissions from 2 submitters: Likely pathogenic (2). Last evaluated 2025-07-16.

Conditions:
Primary dilated cardiomyopathy (DCM). Also called: Dilated Cardiomyopathy. Identifiers: Orphanet 217604, MedGen C0007193, MeSH D002311, MONDO:0005021, HP:0001644. Inheritance: Various modes of inheritance.
Cardiovascular phenotype. Identifiers: MedGen CN230736.

Submissions (2):

Ambry Genetics
Classification: Likely pathogenic for Cardiovascular phenotype. Last evaluated: 2025-07-16. Review status: criteria provided, single submitter. Criteria: Ambry Variant Classification Scheme 2023. Collection method: clinical testing. Allele origin: germline.
Comment: The c.57363_57364delAA (p.I19122Wfs*5) alteration, located in exon 154 (coding exon 153) of the TTN gene, consists of a deletion of 2 nucleotides from position 57363 to 57364, causing a translational frameshift with a predicted alternate stop codon after 5 amino acids. This alteration is expected to result in loss of function by premature protein truncation or nonsense-mediated mRNA decay. This variant was not reported in population-based cohorts in the Genome Aggregation Database (gnomAD). This exon is located in the A-band region of the N2-B isoform of the titin protein and is constitutively expressed in TTN transcripts (percent spliced in or PSI 100%). While truncating variants in TTN are present in 1-3% of the general population, truncating variants in the A-band are the most common cause of dilated cardiomyopathy (Herman, 2012; Roberts, 2015). TTN truncating variants encoded in constitutive exons (PSI >90%) have been found to be significantly associated with DCM regardless of their position in titin (Schafer, 2017; Akhtar, 2020; Massier, 2025). Based on the available evidence, this alteration is classified as likely pathogenic.

Lildballe Lab, Aarhus University Hospital
Classification: Likely pathogenic for dilated cardiomyopathy. Last evaluated: 2024-03-01. Review status: criteria provided, single submitter. Criteria: ACMG Guidelines, 2015. Collection method: research. Allele origin: germline. Affected: yes.
Comment: PVS1(vs), PM2(sup)

Literature cited by the submitters: PubMed 22335739 (cited by Ambry Genetics); PubMed 25589632 (cited by Ambry Genetics); PubMed 27869827 (cited by Ambry Genetics); PubMed 32964742 (cited by Ambry Genetics); PubMed 39844436 (cited by Ambry Genetics); PubMed 25741943 (cited by Lildballe Lab, Aarhus University Hospital); PubMed 39481677 (cited by Lildballe Lab, Aarhus University Hospital).

NM_001267550.2(TTN):c.84558_84559del (p.Ile28187fs)

Genes: TTN (titin; minus strand), TTN-AS1 (TTN antisense RNA 1; plus strand). Cytogenetic location: 2q31.2.
Variant type: Deletion.
Coding change: c.84558_84559del on transcript NM_001267550.2 (MANE Select); coding-DNA positions 84558 to 84559, 2 bases deleted (AA; older notation c.84558_84559delAA).
Protein change: p.Ile28187fs; shifts the reading frame from isoleucine 28187.
Molecular consequence: frameshift variant.
Genome position (GRCh38, 1-based): chr2:178,561,573-178,561,574, TT deleted on the plus strand (AA on the coding strand, the reverse complement: TTN is on the minus strand). VCF-style (leftmost placement, unchanged base first): chr2-178561572-ATT-A. GRCh37 (hg19) VCF-style: chr2-179426299-ATT-A.
Other names: c.79635_79636del, p.Ile26546fs (NM_001256850.1); c.57363_57364del, p.Ile19122fs (NM_003319.4); c.76854_76855del, p.Ile25619fs (NM_133378.4); c.57738_57739del, p.Ile19247fs (NM_133432.3); c.57939_57940del, p.Ile19314fs (NM_133437.4); c.57363_57364delAA (NM_003319.4); short protein forms I19122fs, I19247fs, I19314fs, I25619fs, I26546fs, I28187fs.
Identifiers: ClinVar variation 3338359 (VCV003338359.2).